The following is an entry in ClinVar:

ClinVar aggregate classification (germline): Uncertain significance (1 of 4 stars; one submission).

Allele frequency attached by ClinVar (database versions not stated): gnomAD exomes 0.00001; ExAC 0.00003; TOPMed 0.00004; gnomAD 0.00006; ESP Exome Variant Server 0.00015.
gnomAD v4.1: 18 of 1,612,158 alleles (0.0011%); highest among the groups gnomAD compares: African/African-American, 0.024%; no homozygotes.

Submission:

Labcorp Genetics (formerly Invitae), Labcorp
Classification: Uncertain significance. Last evaluated: 2022-06-05. Review status: criteria provided, single submitter. Criteria: Invitae Variant Classification Sherloc (09022015). Collection method: clinical testing. Allele origin: germline.
Comment: This sequence change replaces leucine, which is neutral and non-polar, with tryptophan, which is neutral and slightly polar, at codon 725 of the GGCX protein (p.Leu725Trp). This variant is present in population databases (rs373315435, gnomAD 0.02%). This variant has not been reported in the literature in individuals affected with GGCX-related conditions. Algorithms developed to predict the effect of missense changes on protein structure and function output the following: SIFT: "Deleterious"; PolyPhen-2: "Benign"; Align-GVGD: "Class C0". The tryptophan amino acid residue is found in multiple mammalian species, which suggests that this missense change does not adversely affect protein function. In summary, the available evidence is currently insufficient to determine the role of this variant in disease. Therefore, it has been classified as a Variant of Uncertain Significance.

NM_000821.7(GGCX):c.2174T>G (p.Leu725Trp)

Gene: GGCX (gamma-glutamyl carboxylase; minus strand). Cytogenetic location: 2p11.2.
Variant type: single nucleotide variant.
Coding change: c.2174T>G on transcript NM_000821.7 (MANE Select); coding-DNA position 2174, T replaced by G.
Protein change: p.Leu725Trp; replaces leucine 725 with tryptophan.
Molecular consequence: missense variant.
Genome position (GRCh38, 1-based): chr2:85,550,037, A>C on the plus strand (T>G on the coding strand, the complement: GGCX is on the minus strand). VCF-style: chr2-85550037-A-C. GRCh37 (hg19) VCF-style: chr2-85777160-A-C.
Other names: c.2003T>G, p.Leu668Trp (NM_001142269.4); short protein forms L668W, L725W.
Identifiers: ClinVar variation 1943553 (VCV001943553.2), dbSNP rs373315435, ClinGen allele CA1741613.